The following is an entry in ClinVar:

NM_001164508.2(NEB):c.8386G>A (p.Glu2796Lys)

Gene: NEB (nebulin; minus strand). Cytogenetic location: 2q23.3.
Variant type: single nucleotide variant.
Coding change: c.8386G>A on transcript NM_001164508.2 (MANE Select); coding-DNA position 8386, G replaced by A.
Protein change: p.Glu2796Lys; replaces glutamic acid 2796 with lysine.
Molecular consequence: missense variant.
Genome position (GRCh38, 1-based): chr2:151,640,654, C>T on the plus strand (G>A on the coding strand, the complement: NEB is on the minus strand). VCF-style: chr2-151640654-C-T. GRCh37 (hg19) VCF-style: chr2-152497168-C-T.
Other names: c.8386G>A, p.Glu2796Lys (NM_001164507.2, NM_001271208.2, NM_004543.5); short protein forms E2796K.
Identifiers: ClinVar variation 1937985 (VCV001937985.2), dbSNP rs2552244176, ClinGen allele CA348811836.

ClinVar aggregate classification (germline): Uncertain significance (1 of 4 stars; one submission).

Conditions:
Nemaline myopathy 2 (NEM2). Also called: Nemaline myopathy 2, autosomal recessive. Identifiers: MedGen C1850569, MONDO:0009725, OMIM 256030.

gnomAD v4.1: 1 of 1,609,774 alleles (0.000062%); highest among the groups gnomAD compares: South Asian, 0.0011%; no homozygotes.

Submission:

Labcorp Genetics (formerly Invitae), Labcorp
Classification: Uncertain significance for Nemaline myopathy 2. Last evaluated: 2022-06-08. Review status: criteria provided, single submitter. Criteria: Invitae Variant Classification Sherloc (09022015). Collection method: clinical testing. Allele origin: germline.
Comment: This sequence change replaces glutamic acid, which is acidic and polar, with lysine, which is basic and polar, at codon 2796 of the NEB protein (p.Glu2796Lys). This variant is not present in population databases (gnomAD no frequency). This variant has not been reported in the literature in individuals affected with NEB-related conditions. Algorithms developed to predict the effect of missense changes on protein structure and function are either unavailable or do not agree on the potential impact of this missense change (SIFT: "Deleterious"; PolyPhen-2: "Not Available"; Align-GVGD: "Class C0"). In summary, the available evidence is currently insufficient to determine the role of this variant in disease. Therefore, it has been classified as a Variant of Uncertain Significance.